The following is an entry in ClinVar:

NM_004820.5(CYP7B1):c.151G>C (p.Gly51Arg)

Gene: CYP7B1 (cytochrome P450 family 7 subfamily B member 1; minus strand). Cytogenetic location: 8q12.3.
Variant type: single nucleotide variant.
Coding change: c.151G>C on transcript NM_004820.5 (MANE Select); coding-DNA position 151, G replaced by C.
Protein change: p.Gly51Arg; replaces glycine 51 with arginine.
Molecular consequence: missense variant.
Genome position (GRCh38, 1-based): chr8:64,624,511, C>G on the plus strand (G>C on the coding strand, the complement: CYP7B1 is on the minus strand). VCF-style: chr8-64624511-C-G. GRCh37 (hg19) VCF-style: chr8-65537068-C-G.
Other names: c.151G>C, p.Gly51Arg (NM_001324112.2); short protein forms G51R.
Identifiers: ClinVar variation 989023 (VCV000989023.2), dbSNP rs961524982, ClinGen allele CA178391957.

ClinVar aggregate classification (germline): Conflicting classifications of pathogenicity. Review status: criteria provided, conflicting classifications (1 of 4 stars). 2 submissions from 2 submitters: Pathogenic (1); Uncertain significance (1). Last evaluated 2024-10-11.

Conditions:
Hereditary spastic paraplegia 5A (SPG5A). Also called: SPASTIC PARAPLEGIA 5A, AUTOSOMAL RECESSIVE. Identifiers: Orphanet 100986, MedGen C1849115, MONDO:0010047, OMIM 270800.

gnomAD v4.1: 1 of 1,612,898 alleles (0.000062%); highest among the groups gnomAD compares: Non-Finnish European, 0.000085%; no homozygotes.

Submissions (2):

Women's Health and Genetics/Laboratory Corporation of America, LabCorp
Classification: Uncertain significance. Last evaluated: 2024-10-11. Review status: criteria provided, single submitter. Criteria: LabCorp Variant Classification Summary - May 2015. Collection method: clinical testing. Allele origin: germline.
Comment: Variant summary: CYP7B1 c.151G>C (p.Gly51Arg) results in a non-conservative amino acid change in the encoded protein sequence. Five of five in-silico tools predict a damaging effect of the variant on protein function. The variant was absent in 251410 control chromosomes. The available data on variant occurrences in the general population are insufficient to allow any conclusion about variant significance. c.151G>C has been reported in the literature in the presumed compound heterozygous state in at least 2 individuals affected with clinical features of Hereditary Spastic Paraplegia (example, Mereaux_2022, Schlipf_2011). These report(s) do not provide unequivocal conclusions about association of the variant with Hereditary Spastic Paraplegia, Type 5a. To our knowledge, no experimental evidence demonstrating an impact on protein function has been reported. The following publications have been ascertained in the context of this evaluation (PMID: 34983064, 21623769). ClinVar contains an entry for this variant (Variation ID: 989023). Based on the evidence outlined above, the variant was classified as uncertain significance.

Paris Brain Institute, Inserm - ICM
Classification: Pathogenic for Hereditary spastic paraplegia 5A. Review status: criteria provided, single submitter. Criteria: ACMG Guidelines, 2015. Collection method: clinical testing. Allele origin: unknown. Affected: yes. Observed: 2 variant alleles.

Literature cited by the submitters: PubMed 21623769 (cited by Women's Health and Genetics/Laboratory Corporation of America, LabCorp); PubMed 34983064 (cited by Women's Health and Genetics/Laboratory Corporation of America, LabCorp).